The following is an entry in ClinVar:

NM_015087.5(SPART):c.360A>G (p.Lys120=)

Gene: SPART (spartin; minus strand). Cytogenetic location: 13q13.3.
Variant type: single nucleotide variant.
Coding change: c.360A>G on transcript NM_015087.5 (MANE Select); coding-DNA position 360, A replaced by G.
Protein change: p.Lys120=; no amino-acid change (lysine 120 retained).
Molecular consequence: synonymous variant.
Genome position (GRCh38, 1-based): chr13:36,335,471, T>C on the plus strand (A>G on the coding strand, the complement: SPART is on the minus strand). VCF-style: chr13-36335471-T-C. GRCh37 (hg19) VCF-style: chr13-36909608-T-C.
Other names: c.360A>G, p.Lys120= (NM_001142294.2, NM_001142295.2, NM_001142296.2).
Identifiers: ClinVar variation 311771 (VCV000311771.52), dbSNP rs149730980, ClinGen allele CA6949653.
Genomic context (GRCh38, chr13:36,335,471, plus strand): 5'-TTCAGCATGCTGAGGAGCTGAACTAAAAGACTGAGGCTCTGGTAATTTTTCACACATGTC[T>C]TTAGGTGGAAATTCTGGATATAACTTGGGCACCTCCTGAAGATCATTCTGCAGAGAAGTG-3'
Protein context (NP_055902.1, residues 110-130): VPKLYPEFPP[Lys120=]DMCEKLPEPQ

ClinVar aggregate classification (germline): Conflicting classifications of pathogenicity. Review status: criteria provided, conflicting classifications (1 of 4 stars). 5 submissions from 5 submitters: Uncertain significance (1); Likely benign (4). Last evaluated 2026-09-01.

Conditions:
Troyer syndrome (SPG20). Identifiers: Orphanet 101000, MedGen C0393559, MONDO:0010156, OMIM 275900.

Allele frequency attached by ClinVar (database versions not stated): gnomAD 0.00014 and 0.00017; ESP Exome Variant Server 0.00015; ExAC 0.00017; gnomAD exomes 0.00020; TOPMed 0.00021; 1000 Genomes Project 30x 0.00031; 1000 Genomes Project 0.00040.
gnomAD v4.1: 370 of 1,614,162 alleles (0.023%); highest among the groups gnomAD compares: Non-Finnish European, 0.03%; no homozygotes.

Submissions (5):

CeGaT Center for Human Genetics Tuebingen
Classification: Likely benign. Last evaluated: 2026-09-01. Review status: criteria provided, single submitter. Criteria: CeGaT Center For Human Genetics Tuebingen Variant Classification Criteria Version 2. Collection method: clinical testing. Allele origin: germline. Affected: yes. Observed: 3 variant alleles.
Comment: SPART: BP4, BP7

Labcorp Genetics (formerly Invitae), Labcorp
Classification: Likely benign. Last evaluated: 2026-01-11. Review status: criteria provided, single submitter. Criteria: Invitae Variant Classification Sherloc (09022015). Collection method: clinical testing. Allele origin: germline.

Blueprint Genetics
Classification: Likely benign. Last evaluated: 2024-07-31. Review status: criteria provided, single submitter. Criteria: ACMG Guidelines, 2015. Collection method: clinical testing. Allele origin: germline.

Athena Diagnostics
Classification: Likely benign. Last evaluated: 2020-03-06. Review status: criteria provided, single submitter. Criteria: Athena Diagnostics Criteria. Collection method: clinical testing. Allele origin: unknown.

Illumina Laboratory Services, Illumina
Classification: Uncertain significance for Troyer syndrome. Last evaluated: 2018-01-13. Review status: criteria provided, single submitter. Criteria: ICSL Variant Classification Criteria 13 December 2019. Collection method: clinical testing. Allele origin: germline.